The following is an entry in ClinVar:

ClinVar aggregate classification (germline): Uncertain significance (1 of 4 stars; one submission).

Conditions:
Episodic kinesigenic dyskinesia (EKD). Also called: Paroxysmal kinesigenic dyskinesia. Identifiers: Orphanet 98809, MedGen C1868682, MONDO:0044202.

gnomAD v4.1: 1 of 1,582,024 alleles (0.000063%); highest among the groups gnomAD compares: Non-Finnish European, 0.000086%; no homozygotes.

Submission:

Labcorp Genetics (formerly Invitae), Labcorp
Classification: Uncertain significance for Episodic kinesigenic dyskinesia. Last evaluated: 2024-07-30. Review status: criteria provided, single submitter. Criteria: Invitae Variant Classification Sherloc (09022015). Collection method: clinical testing. Allele origin: germline.
Comment: This sequence change replaces proline, which is neutral and non-polar, with alanine, which is neutral and non-polar, at codon 216 of the PRRT2 protein (p.Pro216Ala). This variant is not present in population databases (gnomAD no frequency). This variant has not been reported in the literature in individuals affected with PRRT2-related conditions. Advanced modeling of protein sequence and biophysical properties (such as structural, functional, and spatial information, amino acid conservation, physicochemical variation, residue mobility, and thermodynamic stability) performed at Invitae indicates that this missense variant is not expected to disrupt PRRT2 protein function with a negative predictive value of 95%. In summary, the available evidence is currently insufficient to determine the role of this variant in disease. Therefore, it has been classified as a Variant of Uncertain Significance.

NM_145239.3(PRRT2):c.646C>G (p.Pro216Ala)

Genes: MVP-DT (MVP divergent transcript; minus strand), PRRT2 (proline rich transmembrane protein 2; plus strand). Cytogenetic location: 16p11.2.
Variant type: single nucleotide variant.
Coding change: c.646C>G on transcript NM_145239.3 (MANE Select); coding-DNA position 646, C replaced by G.
Protein change: p.Pro216Ala; replaces proline 216 with alanine.
Molecular consequence: missense variant.
Genome position (GRCh38, 1-based): chr16:29,813,700, C>G. VCF-style: chr16-29813700-C-G. GRCh37 (hg19) VCF-style: chr16-29825021-C-G.
Other names: c.646C>G, p.Pro216Ala (NM_001256442.2, NM_001256443.2); short protein forms P216A.
Identifiers: ClinVar variation 3675535 (VCV003675535.2).